The following is an entry in ClinVar:

NM_001110556.2(FLNA):c.4599C>T (p.Ser1533=)

Gene: FLNA (filamin A; minus strand). Cytogenetic location: Xq28.
Variant type: single nucleotide variant.
Coding change: c.4599C>T on transcript NM_001110556.2 (MANE Select); coding-DNA position 4599, C replaced by T.
Protein change: p.Ser1533=; no amino-acid change (serine 1533 retained).
Molecular consequence: synonymous variant.
Genome position (GRCh38, 1-based): chrX:154,358,355, G>A on the plus strand (C>T on the coding strand, the complement: FLNA is on the minus strand). VCF-style: chrX-154358355-G-A. GRCh37 (hg19) VCF-style: chrX-153586723-G-A.
Other names: c.4599C>T (NM_001110556.1); c.4599C>T, p.Ser1533= (NM_001456.4).
Identifiers: ClinVar variation 4790581 (VCV004790581.2).

ClinVar aggregate classification (germline): Conflicting classifications of pathogenicity. Review status: criteria provided, conflicting classifications (1 of 4 stars). 2 submissions from 2 submitters: Uncertain significance (1); Likely benign (1). Last evaluated 2025-06-30.

Conditions:
Frontometaphyseal dysplasia (FMD1). Identifiers: Orphanet 1826, MedGen C0265293, MONDO:0015942.
Heterotopia, periventricular, X-linked dominant (PVNH1). Also called: PERIVENTRICULAR NODULAR HETEROTOPIA 1; X-linked periventricular heterotopia; PERIVENTRICULAR NODULAR HETEROTOPIA 4; HETEROTOPIA, PERIVENTRICULAR, 1. Identifiers: Orphanet 2149, Orphanet 82004, MedGen C1848213, MONDO:0010233, OMIM 300049.
Melnick-Needles syndrome (MNS). Also called: Melnick-Needles Syndrome (FLNA-MNS); MELNICK-NEEDLES OSTEODYSPLASTY; OSTEODYSPLASTY OF MELNICK AND NEEDLES. Identifiers: Orphanet 2484, MedGen C0025237, MONDO:0010650, OMIM 309350.
Oto-palato-digital syndrome, type II (OPD2). Also called: Otopalatodigital Syndrome, Type II; FACIOPALATOOSSEOUS SYNDROME; Otopalatodigital Syndrome Type 2 (FLNA-OPD2); OPD II SYNDROME. Identifiers: Orphanet 669, Orphanet 90652, MedGen C1844696, MONDO:0010571, OMIM 304120.
FLNA-related disorder.

gnomAD v4.1: 4 of 1,211,572 alleles (0.00033%); highest among the groups gnomAD compares: South Asian, 0.0035%; no homozygotes.

Submissions (2):

Labcorp Genetics (formerly Invitae), Labcorp
Classification: Uncertain significance for Oto-palato-digital syndrome, type II; Heterotopia, periventricular, X-linked dominant; Frontometaphyseal dysplasia; Melnick-Needles syndrome. Last evaluated: 2025-06-30. Review status: criteria provided, single submitter. Criteria: Invitae Variant Classification Sherloc (09022015). Collection method: clinical testing. Allele origin: germline.
Comment: This sequence change affects codon 1533 of the FLNA mRNA. It is a 'silent' change, meaning that it does not change the encoded amino acid sequence of the FLNA protein. It affects a nucleotide within the consensus splice site. This variant is present in population databases (no rsID available, gnomAD 0.001%). This variant has not been reported in the literature in individuals affected with FLNA-related conditions. Algorithms developed to predict the effect of sequence changes on RNA splicing suggest that this variant is not likely to affect RNA splicing. In summary, the available evidence is currently insufficient to determine the role of this variant in disease. Therefore, it has been classified as a Variant of Uncertain Significance.

PreventionGenetics, part of Exact Sciences
Classification: Likely benign for FLNA-related condition. Last evaluated: 2025-01-24. Review status: criteria provided, single submitter. Criteria: ACMG Guidelines, 2015. Collection method: clinical testing. Allele origin: germline.
Comment: This variant is classified as likely benign based on ACMG/AMP sequence variant interpretation guidelines (Richards et al. 2015 PMID: 25741868, with internal and published modifications).